The following is an entry in ClinVar:

NM_152327.5(AK7):c.712C>G (p.Pro238Ala)

Gene: AK7 (adenylate kinase 7; plus strand). Cytogenetic location: 14q32.2.
Variant type: single nucleotide variant.
Coding change: c.712C>G on transcript NM_152327.5 (MANE Select); coding-DNA position 712, C replaced by G.
Protein change: p.Pro238Ala; replaces proline 238 with alanine.
Molecular consequence: missense variant.
Genome position (GRCh38, 1-based): chr14:96,442,751, C>G. VCF-style: chr14-96442751-C-G. GRCh37 (hg19) VCF-style: chr14-96909088-C-G.
Other names: c.712C>G, p.Pro238Ala (NM_001350888.2, NM_001350890.2, NM_001350891.2 and 1 more transcripts); short protein forms P238A.
Identifiers: ClinVar variation 2063508 (VCV002063508.4), dbSNP rs868058442, ClinGen allele CA390923958.
Genomic context (GRCh38, chr14:96,442,751, plus strand): 5'-TATAACTGGGGGACATGATTTTGCTTTTCTTCCTTTCAGATGGCTTGGTTGGGCGAGATT[C>G]CTGCATTACCAGTTTTTGGCGATGGAACAAATGTAATTCCAACAATCCATGTTCTTGATC-3'
Protein context (NP_689540.2, residues 228-248): FFKMAWLGEI[Pro238Ala]ALPVFGDGTN

ClinVar aggregate classification (germline): Uncertain significance (1 of 4 stars; one submission).

Allele frequency attached by ClinVar (database versions not stated): gnomAD exomes below 0.00001; TOPMed below 0.00001; gnomAD 0.00001.
gnomAD v4.1: 2 of 1,614,058 alleles (0.00012%); highest among the groups gnomAD compares: East Asian, 0.0022%; no homozygotes.

Submission:

Labcorp Genetics (formerly Invitae), Labcorp
Classification: Uncertain significance. Last evaluated: 2022-01-28. Review status: criteria provided, single submitter. Criteria: Invitae Variant Classification Sherloc (09022015). Collection method: clinical testing. Allele origin: germline.
Comment: In summary, the available evidence is currently insufficient to determine the role of this variant in disease. Therefore, it has been classified as a Variant of Uncertain Significance. Algorithms developed to predict the effect of missense changes on protein structure and function (SIFT, PolyPhen-2, Align-GVGD) all suggest that this variant is likely to be tolerated. This variant has not been reported in the literature in individuals affected with AK7-related conditions. This variant is present in population databases (no rsID available, gnomAD 0.005%). This sequence change replaces proline, which is neutral and non-polar, with alanine, which is neutral and non-polar, at codon 238 of the AK7 protein (p.Pro238Ala).